The following is an entry in ClinVar:

NM_004793.4(LONP1):c.2566G>A (p.Ala856Thr)

Gene: LONP1 (lon peptidase 1, mitochondrial; minus strand). Cytogenetic location: 19p13.3.
Variant type: single nucleotide variant.
Coding change: c.2566G>A on transcript NM_004793.4 (MANE Select); coding-DNA position 2566, G replaced by A.
Protein change: p.Ala856Thr; replaces alanine 856 with threonine.
Molecular consequence: missense variant. On other transcripts: non-coding transcript variant (1).
Genome position (GRCh38, 1-based): chr19:5,693,435, C>T on the plus strand (G>A on the coding strand, the complement: LONP1 is on the minus strand). VCF-style: chr19-5693435-C-T. GRCh37 (hg19) VCF-style: chr19-5693446-C-T.
Other names: c.2374G>A, p.Ala792Thr (NM_001276479.2); c.1978G>A, p.Ala660Thr (NM_001276480.1); short protein forms A660T, A792T, A856T.
Identifiers: ClinVar variation 1382306 (VCV001382306.6), dbSNP rs755394304, ClinGen allele CA9114047.

ClinVar aggregate classification (germline): Uncertain significance (1 of 4 stars; one submission).

Allele frequency attached by ClinVar (database versions not stated): gnomAD 0.00001; gnomAD exomes 0.00001 and 0.00002; ExAC 0.00002; TOPMed 0.00002.
gnomAD v4.1: 25 of 1,611,668 alleles (0.0016%); highest among the groups gnomAD compares: Admixed American, 0.0033%; no homozygotes.

Submission:

Labcorp Genetics (formerly Invitae), Labcorp
Classification: Uncertain significance. Last evaluated: 2024-03-17. Review status: criteria provided, single submitter. Criteria: Invitae Variant Classification Sherloc (09022015). Collection method: clinical testing. Allele origin: germline.
Comment: This sequence change replaces alanine, which is neutral and non-polar, with threonine, which is neutral and polar, at codon 856 of the LONP1 protein (p.Ala856Thr). This variant is present in population databases (rs755394304, gnomAD 0.006%). This variant has not been reported in the literature in individuals affected with LONP1-related conditions. ClinVar contains an entry for this variant (Variation ID: 1382306). Advanced modeling of protein sequence and biophysical properties (such as structural, functional, and spatial information, amino acid conservation, physicochemical variation, residue mobility, and thermodynamic stability) performed at Invitae indicates that this missense variant is expected to disrupt LONP1 protein function with a positive predictive value of 80%. In summary, the available evidence is currently insufficient to determine the role of this variant in disease. Therefore, it has been classified as a Variant of Uncertain Significance.